The following is an entry in ClinVar:

NM_001164508.2(NEB):c.24397_24398dup (p.Leu8133fs)

Genes: NEB (nebulin; minus strand), RIF1 (replication timing regulatory factor 1; plus strand). Cytogenetic location: 2q23.3.
Variant type: Duplication.
Coding change: c.24397_24398dup on transcript NM_001164508.2 (MANE Select); coding-DNA positions 24397 to 24398, 2 bases duplicated (TT; older notation c.24397_24398dupTT).
Protein change: p.Leu8133fs; shifts the reading frame from leucine 8133.
Molecular consequence: frameshift variant.
Genome position (GRCh38, 1-based): chr2:151,496,364-151,496,365, AA duplicated on the plus strand (TT on the coding strand, the reverse complement: NEB is on the minus strand). VCF-style (leftmost placement, unchanged base first): chr2-151496363-T-TAA. GRCh37 (hg19) VCF-style: chr2-152352877-T-TAA.
Other names: c.24397_24398dup, p.Leu8133fs (NM_001164507.2); c.24502_24503dup, p.Leu8168fs (NM_001271208.2); c.18829_18830dup, p.Leu6277fs (NM_004543.5); short protein forms L6277fs, L8133fs, L8168fs.
Identifiers: ClinVar variation 855559 (VCV000855559.9), dbSNP rs1553545126, ClinGen allele CA1906058.

ClinVar aggregate classification (germline): Pathogenic/Likely pathogenic. Review status: criteria provided, multiple submitters, no conflicts (2 of 4 stars). 3 submissions from 3 submitters: Pathogenic (2); Likely pathogenic (1). Last evaluated 2025-07-31.

Conditions:
Nemaline myopathy 2 (NEM2). Also called: Nemaline myopathy 2, autosomal recessive. Identifiers: MedGen C1850569, MONDO:0009725, OMIM 256030.

Allele frequency attached by ClinVar (database versions not stated): ExAC 0.00001.

Submissions (3):

Myriad Genetics, Inc.
Classification: Pathogenic for Nemaline myopathy 2. Last evaluated: 2025-07-31. Review status: criteria provided, single submitter. Criteria: Myriad Autosomal Dominant, Autosomal Recessive and X-Linked Classification Criteria (2023). Collection method: clinical testing. Allele origin: unknown.
Comment: NM_001271208.1(NEB):c.24502_24503dupTT(L8168Ffs*13) is expected to be pathogenic in the context of NEB-related nemaline myopathy. This variant is predicted to lead to an abnormal or absent protein product due to the creation of a premature termination codon in NEB, a gene where loss-of-function variants are known to be pathogenic. Please note: this variant was assessed in the context of healthy population screening.

Natera, Inc.
Classification: Likely pathogenic for Nemaline myopathy type 2. Last evaluated: 2025-05-12. Review status: criteria provided, single submitter. Criteria: Natera Variant Classification Schema (03/2026). Collection method: clinical testing. Allele origin: germline.
Comment: The c.24502_24503dup variant in NEB is a frameshift variant predicted to shift the reading frame beginning at codon 8168 and leads to a stop codon 13 codons downstream. This variant is expected to result in nonsense mediated decay, truncation, or a dysfunctional protein product. This variant is rare in the general population with a frequency below the threshold expected for the associated phenotype(s). Given the available evidence, this variant is classified as Likely Pathogenic.

Labcorp Genetics (formerly Invitae), Labcorp
Classification: Pathogenic for Nemaline myopathy 2. Last evaluated: 2024-02-08. Review status: criteria provided, single submitter. Criteria: Invitae Variant Classification Sherloc (09022015). Collection method: clinical testing. Allele origin: germline.
Comment: This sequence change creates a premature translational stop signal (p.Leu8168Phefs*13) in the NEB gene. It is expected to result in an absent or disrupted protein product. Loss-of-function variants in NEB are known to be pathogenic (PMID: 25205138). This variant is not present in population databases (gnomAD no frequency). This variant has not been reported in the literature in individuals affected with NEB-related conditions. ClinVar contains an entry for this variant (Variation ID: 855559). For these reasons, this variant has been classified as Pathogenic.

Literature cited by the submitters: PubMed 25205138 (cited by Labcorp Genetics (formerly Invitae), Labcorp).